The following is an entry in ClinVar:

NM_001277115.2(DNAH11):c.4944+2T>C

Gene: DNAH11 (dynein axonemal heavy chain 11; plus strand). Cytogenetic location: 7p15.3.
Variant type: single nucleotide variant.
Coding change: c.4944+2T>C on transcript NM_001277115.2 (MANE Select); the canonical splice donor site of the intron after coding-DNA position 4944, T replaced by C.
Molecular consequence: splice donor variant.
Genome position (GRCh38, 1-based): chr7:21,639,067, T>C. VCF-style: chr7-21639067-T-C. GRCh37 (hg19) VCF-style: chr7-21678685-T-C.
Identifiers: ClinVar variation 3000184 (VCV003000184.3), dbSNP rs2534781889, ClinGen allele CA366934968.

ClinVar aggregate classification (germline): Likely pathogenic (1 of 4 stars; one submission).

Conditions:
Primary ciliary dyskinesia. Also called: Ciliary dyskinesia. Identifiers: Orphanet 244, MedGen C0008780, MONDO:0016575, HP:0012265.

gnomAD v4.1: 1 of 1,607,010 alleles (0.000062%); highest among the groups gnomAD compares: Non-Finnish European, 0.000085%; no homozygotes.

Submission:

Labcorp Genetics (formerly Invitae), Labcorp
Classification: Likely pathogenic for Primary ciliary dyskinesia. Last evaluated: 2023-10-13. Review status: criteria provided, single submitter. Criteria: Invitae Variant Classification Sherloc (09022015). Collection method: clinical testing. Allele origin: germline.
Comment: This sequence change affects a donor splice site in intron 28 of the DNAH11 gene. It is expected to disrupt RNA splicing. Variants that disrupt the donor or acceptor splice site typically lead to a loss of protein function (PMID: 16199547), and loss-of-function variants in DNAH11 are known to be pathogenic (PMID: 18022865, 20513915, 22184204). This variant is not present in population databases (gnomAD no frequency). This variant has not been reported in the literature in individuals affected with DNAH11-related conditions. Algorithms developed to predict the effect of sequence changes on RNA splicing suggest that this variant may disrupt the consensus splice site. In summary, the currently available evidence indicates that the variant is pathogenic, but additional data are needed to prove that conclusively. Therefore, this variant has been classified as Likely Pathogenic.

Literature cited by the submitters: PubMed 16199547; PubMed 18022865; PubMed 20513915; PubMed 22184204.